The following is an entry in ClinVar:

NM_133433.4(NIPBL):c.5126A>C (p.Glu1709Ala)

Gene: NIPBL (NIPBL cohesin loading factor; plus strand). Cytogenetic location: 5p13.2.
Variant type: single nucleotide variant.
Coding change: c.5126A>C on transcript NM_133433.4 (MANE Select); coding-DNA position 5126, A replaced by C.
Protein change: p.Glu1709Ala; replaces glutamic acid 1709 with alanine.
Molecular consequence: missense variant.
Genome position (GRCh38, 1-based): chr5:37,020,574, A>C. VCF-style: chr5-37020574-A-C. GRCh37 (hg19) VCF-style: chr5-37020676-A-C.
Other names: c.5126A>C, p.Glu1709Ala (NM_015384.5); short protein forms E1709A.
Identifiers: ClinVar variation 1719050 (VCV001719050.5), dbSNP rs2478316990, ClinGen allele CA359486897.
Genomic context (GRCh38, chr5:37,020,574, plus strand): 5'-AAAAAGCAATGAAATCACAAAAAGATGAAGAATCATCTGAAGGAACACATCATGCAAAGG[A>C]AATTGAGACAACTGGCCAAATTATGCATCGAGCTGAAAACCGAAAAAAGTTTCTTAGAAG-3'
Protein context (NP_597677.2, residues 1699-1719): ESSEGTHHAK[Glu1709Ala]IETTGQIMHR

ClinVar aggregate classification (germline): Uncertain significance (1 of 4 stars; one submission).

Conditions:
Cornelia de Lange syndrome 1 (CDLS1). Also called: TYPUS DEGENERATIVUS AMSTELODAMENSIS; Brachmann de Lange syndrome; NIPBL-Related Cornelia de Lange Syndrome. Identifiers: Orphanet 199, MedGen C4551851, MONDO:0007387, OMIM 122470.

Submission:

Labcorp Genetics (formerly Invitae), Labcorp
Classification: Uncertain significance for Cornelia de Lange syndrome 1. Last evaluated: 2022-09-07. Review status: criteria provided, single submitter. Criteria: Invitae Variant Classification Sherloc (09022015). Collection method: clinical testing. Allele origin: germline.
Comment: In summary, the available evidence is currently insufficient to determine the role of this variant in disease. Therefore, it has been classified as a Variant of Uncertain Significance. Algorithms developed to predict the effect of missense changes on protein structure and function are either unavailable or do not agree on the potential impact of this missense change (SIFT: "Deleterious"; PolyPhen-2: "Benign"; Align-GVGD: "Class C0"). This variant has not been reported in the literature in individuals affected with NIPBL-related conditions. This variant is not present in population databases (gnomAD no frequency). This sequence change replaces glutamic acid, which is acidic and polar, with alanine, which is neutral and non-polar, at codon 1709 of the NIPBL protein (p.Glu1709Ala).